The following is an entry in ClinVar:

ClinVar aggregate classification (germline): Benign/Likely benign. Review status: criteria provided, multiple submitters, no conflicts (2 of 4 stars). 2 submissions from 2 submitters: Benign (1); Likely benign (1). Last evaluated 2025-06-10.

Allele frequency attached by ClinVar (database versions not stated): ExAC 0.00012; gnomAD 0.00029; 1000 Genomes Project 0.00100; gnomAD exomes 0.00004 and 0.00010; TOPMed 0.00022; 1000 Genomes Project 30x 0.00094.
gnomAD v4.1: 105 of 1,613,926 alleles (0.0065%); highest among the groups gnomAD compares: Admixed American, 0.083%; no homozygotes.

Submissions (2):

Athena Diagnostics
Classification: Benign. Last evaluated: 2025-06-10. Review status: criteria provided, single submitter. Criteria: Athena Diagnostics Criteria. Collection method: clinical testing. Allele origin: unknown.
Comment: The frequency of this variant in the general population is higher than would generally be expected for pathogenic variants in this gene. Computational tools yielded predictions that this variant is unlikely to have an effect on normal RNA splicing. This nucleotide position exhibits low evolutionary conservation.

Labcorp Genetics (formerly Invitae), Labcorp
Classification: Likely benign. Last evaluated: 2024-01-18. Review status: criteria provided, single submitter. Criteria: Invitae Variant Classification Sherloc (09022015). Collection method: clinical testing. Allele origin: germline.

NM_001961.4(EEF2):c.1470C>T (p.His490=)

Gene: EEF2 (eukaryotic translation elongation factor 2; minus strand). Cytogenetic location: 19p13.3.
Variant type: single nucleotide variant.
Coding change: c.1470C>T on transcript NM_001961.4 (MANE Select); coding-DNA position 1470, C replaced by T.
Protein change: p.His490=; no amino-acid change (histidine 490 retained).
Molecular consequence: synonymous variant.
Genome position (GRCh38, 1-based): chr19:3,979,943, G>A on the plus strand (C>T on the coding strand, the complement: EEF2 is on the minus strand). VCF-style: chr19-3979943-G-A. GRCh37 (hg19) VCF-style: chr19-3979941-G-A.
Identifiers: ClinVar variation 728076 (VCV000728076.11), dbSNP rs201757568, ClinGen allele CA9088872.